The following is an entry in ClinVar:

NM_001903.5(CTNNA1):c.316G>C (p.Ala106Pro)

Gene: CTNNA1 (catenin alpha 1; plus strand). Cytogenetic location: 5q31.2.
Variant type: single nucleotide variant.
Coding change: c.316G>C on transcript NM_001903.5 (MANE Select); coding-DNA position 316, G replaced by C.
Protein change: p.Ala106Pro; replaces alanine 106 with proline.
Molecular consequence: missense variant. On other transcripts: intron variant (1).
Genome position (GRCh38, 1-based): chr5:138,810,052, G>C. VCF-style: chr5-138810052-G-C. GRCh37 (hg19) VCF-style: chr5-138145741-G-C.
Other names: c.316G>C, p.Ala106Pro (NM_001290307.3, NM_001323982.2, NM_001323983.1 and 3 more transcripts); c.7G>C, p.Ala3Pro (NM_001290309.3); c.-5-49G>C (NM_001290310.3); c.316G>C (NM_001903.2); short protein forms A3P, A106P.
Identifiers: ClinVar variation 1498848 (VCV001498848.10), dbSNP rs746920603, ClinGen allele CA3431419.

ClinVar aggregate classification (germline): Uncertain significance. Review status: criteria provided, multiple submitters, no conflicts (2 of 4 stars). 2 submissions from 2 submitters: Uncertain significance (2). Last evaluated 2025-05-28.

Conditions:
Hereditary cancer-predisposing syndrome. Also called: Tumor predisposition; Hereditary neoplastic syndrome; Neoplastic Syndromes, Hereditary; Hereditary Cancer Syndrome. Identifiers: Orphanet 140162, MedGen C0027672, MeSH D009386, MONDO:0015356.

gnomAD v4.1: 1 of 1,605,182 alleles (0.000062%); highest among the groups gnomAD compares: South Asian, 0.0011%; no homozygotes.

Submissions (2):

Labcorp Genetics (formerly Invitae), Labcorp
Classification: Uncertain significance. Last evaluated: 2025-05-28. Review status: criteria provided, single submitter. Criteria: Invitae Variant Classification Sherloc (09022015). Collection method: clinical testing. Allele origin: germline.
Comment: This sequence change replaces alanine, which is neutral and non-polar, with proline, which is neutral and non-polar, at codon 106 of the CTNNA1 protein (p.Ala106Pro). This variant is present in population databases (rs746920603, gnomAD 0.006%). This variant has not been reported in the literature in individuals affected with CTNNA1-related conditions. ClinVar contains an entry for this variant (Variation ID: 1498848). Invitae Evidence Modeling of protein sequence and biophysical properties (such as structural, functional, and spatial information, amino acid conservation, physicochemical variation, residue mobility, and thermodynamic stability) indicates that this missense variant is not expected to disrupt CTNNA1 protein function with a negative predictive value of 80%. In summary, the available evidence is currently insufficient to determine the role of this variant in disease. Therefore, it has been classified as a Variant of Uncertain Significance.

Ambry Genetics
Classification: Uncertain significance for Hereditary cancer-predisposing syndrome. Last evaluated: 2023-09-05. Review status: criteria provided, single submitter. Criteria: Ambry Variant Classification Scheme 2023. Collection method: clinical testing. Allele origin: germline.
Comment: The p.A106P variant (also known as c.316G>C), located in coding exon 3 of the CTNNA1 gene, results from a G to C substitution at nucleotide position 316. The alanine at codon 106 is replaced by proline, an amino acid with highly similar properties. This amino acid position is conserved. In addition, this alteration is predicted to be tolerated by in silico analysis. Since supporting evidence is limited at this time, the clinical significance of this alteration remains unclear.